The following is an entry in ClinVar:

NM_025219.3(DNAJC5):c.106C>T (p.Arg36Trp)

Gene: DNAJC5 (DnaJ heat shock protein family (Hsp40) member C5; plus strand). Cytogenetic location: 20q13.33.
Variant type: single nucleotide variant.
Coding change: c.106C>T on transcript NM_025219.3 (MANE Select); coding-DNA position 106, C replaced by T.
Protein change: p.Arg36Trp; replaces arginine 36 with tryptophan.
Molecular consequence: missense variant.
Genome position (GRCh38, 1-based): chr20:63,928,451, C>T. VCF-style: chr20-63928451-C-T. GRCh37 (hg19) VCF-style: chr20-62559804-C-T.
Other names: short protein forms R36W.
Identifiers: ClinVar variation 1314672 (VCV001314672.2), dbSNP rs946559411, ClinGen allele CA317518785.

ClinVar aggregate classification (germline): Uncertain significance (1 of 4 stars; one submission).

Allele frequency attached by ClinVar (database versions not stated): gnomAD exomes below 0.00001; TOPMed below 0.00001; gnomAD 0.00001.
gnomAD v4.1: 2 of 1,613,392 alleles (0.00012%); highest among the groups gnomAD compares: African/African-American, 0.0013%; no homozygotes.

Submission:

GeneDx
Classification: Uncertain significance. Last evaluated: 2021-04-12. Review status: criteria provided, single submitter. Criteria: GeneDx Variant Classification Process June 2021. Collection method: clinical testing. Allele origin: germline. Affected: yes.
Comment: Not observed in large population cohorts (Lek et al., 2016); In silico analysis supports that this missense variant has a deleterious effect on protein structure/function; Has not been previously published as pathogenic or benign to our knowledge